The following is an entry in ClinVar:

ClinVar aggregate classification (germline): Likely benign (1 of 4 stars; one submission).

Allele frequency attached by ClinVar (database versions not stated): gnomAD 0.00771; 1000 Genomes Project 0.00779; 1000 Genomes Project 30x 0.00812; TOPMed 0.01037.
gnomAD v4.1: 1,347 of 152,332 alleles (0.88%); highest among the groups gnomAD compares: African/African-American, 3.1%; 20 homozygotes.

Submission:

GeneDx
Classification: Likely benign. Last evaluated: 2018-06-19. Review status: criteria provided, single submitter. Criteria: GeneDx Variant Classification (06012015). Collection method: clinical testing. Allele origin: germline. Affected: yes.
Comment: This variant is considered likely benign or benign based on one or more of the following criteria: it is a conservative change, it occurs at a poorly conserved position in the protein, it is predicted to be benign by multiple in silico algorithms, and/or has population frequency not consistent with disease.

NM_006767.4(LZTR1):c.510-234G>C

Gene: LZTR1 (leucine zipper like post translational regulator 1; plus strand). Cytogenetic location: 22q11.21.
Variant type: single nucleotide variant.
Coding change: c.510-234G>C on transcript NM_006767.4 (MANE Select); 234 bases into the intron before coding-DNA position 510, G replaced by C.
Molecular consequence: intron variant.
Genome position (GRCh38, 1-based): chr22:20,988,555, G>C. VCF-style: chr22-20988555-G-C. GRCh37 (hg19) VCF-style: chr22-21342844-G-C.
Identifiers: ClinVar variation 561637 (VCV000561637.1), dbSNP rs114061234, ClinGen allele CA322323916.